The following is an entry in ClinVar:

NM_000169.3(GLA):c.304_305del (p.Ser102fs)

Genes: RPL36A-HNRNPH2 (RPL36A-HNRNPH2 readthrough; plus strand), GLA (galactosidase alpha; minus strand). Cytogenetic location: Xq22.1.
Variant type: Deletion.
Coding change: c.304_305del on transcript NM_000169.3 (MANE Select); coding-DNA positions 304 to 305, 2 bases deleted (TC; older notation c.304_305delTC).
Protein change: p.Ser102fs; shifts the reading frame from serine 102.
Molecular consequence: frameshift variant. On other transcripts: non-coding transcript variant (3), intron variant (2).
Genome position (GRCh38, 1-based): chrX:101,403,875-101,403,876, GA deleted on the plus strand (TC on the coding strand, the reverse complement: GLA is on the minus strand). VCF-style (leftmost placement, unchanged base first): chrX-101403874-TGA-T. GRCh37 (hg19) VCF-style: chrX-100658862-TGA-T.
Other names: c.427_428del, p.Ser143fs (NM_001406747.1, NM_001406749.1); c.304_305del, p.Ser102fs (NM_001406748.1); c.301-8061_301-8060del (NM_001199973.2); c.178-8061_178-8060del (NM_001199974.2); short protein forms S102fs, S143fs.
Identifiers: ClinVar variation 1725771 (VCV001725771.2), dbSNP rs2520913256, ClinGen allele CA2580100099.

ClinVar aggregate classification (germline): Likely pathogenic (1 of 4 stars; one submission).

Conditions:
Fabry disease. Also called: CERAMIDE TRIHEXOSIDASE DEFICIENCY; GLA DEFICIENCY; HEREDITARY DYSTOPIC LIPIDOSIS; Fabry's disease; ALPHA-GALACTOSIDASE A DEFICIENCY; ANDERSON-FABRY DISEASE. Identifiers: Orphanet 324, MedGen C0002986, MONDO:0010526, OMIM 301500, HP:0001071. Disease mechanism: Fabry disease is due to inactivating mutations in the X-linked GLA gene resulting in deficiency of the enzyme Alpha Galactosidase-A., loss of function.

Submission:

Myriad Genetics, Inc.
Classification: Likely pathogenic for Fabry disease. Last evaluated: 2022-03-31. Review status: criteria provided, single submitter. Criteria: Myriad Women's Health Autosomal Recessive and X-Linked Classification Criteria (2021). Collection method: clinical testing. Allele origin: unknown.
Comment: NM_000169.2(GLA):c.304_305delTC(S102Rfs*20) is expected to be pathogenic in the context of Fabry disease. This variant is predicted to lead to an abnormal or absent protein product due to the creation of a premature termination codon in GLA, a gene where loss-of-function variants are known to be pathogenic. Please note: this variant was assessed in the context of healthy population screening.